The following is an entry in ClinVar:

ClinVar aggregate classification (germline): Pathogenic (1 of 4 stars; one submission).

Conditions:
Developmental and epileptic encephalopathy, 25 (DEE25). Also called: Epileptic encephalopathy, early infantile, 25; Developmental and epileptic encephalopathy 25, with amelogenesis imperfecta; Epileptic encephalopathy, early infantile, 25, with amelogenesis imperfecta. Identifiers: Orphanet 442835, MedGen C4014621, MONDO:0014392, OMIM 615905.

Submission:

Labcorp Genetics (formerly Invitae), Labcorp
Classification: Pathogenic for Developmental and epileptic encephalopathy, 25. Last evaluated: 2025-03-25. Review status: criteria provided, single submitter. Criteria: Invitae Variant Classification Sherloc (09022015). Collection method: clinical testing. Allele origin: germline.
Comment: This sequence change creates a premature translational stop signal (p.Val80Profs*61) in the SLC13A5 gene. It is expected to result in an absent or disrupted protein product. Loss-of-function variants in SLC13A5 are known to be pathogenic (PMID: 24995870, 26384929). This variant is not present in population databases (gnomAD no frequency). This variant has not been reported in the literature in individuals affected with SLC13A5-related conditions. For these reasons, this variant has been classified as Pathogenic.

Literature cited by the submitters: PubMed 24995870; PubMed 26384929.

NM_177550.5(SLC13A5):c.238_239del (p.Val80fs)

Gene: SLC13A5 (solute carrier family 13 member 5; minus strand). Cytogenetic location: 17p13.1.
Variant type: Microsatellite.
Coding change: c.238_239del on transcript NM_177550.5 (MANE Select); coding-DNA positions 238 to 239, 2 bases deleted (GT; older notation c.238_239delGT).
Protein change: p.Val80fs; shifts the reading frame from valine 80.
Molecular consequence: frameshift variant.
Genome position (GRCh38, 1-based): chr17:6,706,771-6,706,772, AC deleted on the plus strand (GT on the coding strand, the reverse complement: SLC13A5 is on the minus strand); deleting any 2 consecutive bases within chr17:6,706,771-6,706,778 gives the same sequence; the c. name uses the placement nearest the transcript's 3' end. VCF-style (leftmost placement, unchanged base first): chr17-6706770-GAC-G. GRCh37 (hg19) VCF-style: chr17-6610089-GAC-G.
Other names: c.238_239del, p.Val80fs (NM_001143838.3, NM_001284509.2); c.109_110del, p.Val37fs (NM_001284510.2); short protein forms V37fs, V80fs.
Identifiers: ClinVar variation 4715742 (VCV004715742.1).